The following is an entry in ClinVar:

ClinVar aggregate classification (germline): Uncertain significance (1 of 4 stars; one submission).

Allele frequency attached by ClinVar (database versions not stated): TOPMed 0.00001; gnomAD 0.00002.
gnomAD v4.1: 7 of 1,550,588 alleles (0.00045%); highest among the groups gnomAD compares: Non-Finnish European, 0.00061%; no homozygotes.

Submission:

Labcorp Genetics (formerly Invitae), Labcorp
Classification: Uncertain significance. Last evaluated: 2022-03-04. Review status: criteria provided, single submitter. Criteria: Invitae Variant Classification Sherloc (09022015). Collection method: clinical testing. Allele origin: germline.
Comment: In summary, the available evidence is currently insufficient to determine the role of this variant in disease. Therefore, it has been classified as a Variant of Uncertain Significance. Algorithms developed to predict the effect of missense changes on protein structure and function are either unavailable or do not agree on the potential impact of this missense change (SIFT: "Deleterious"; PolyPhen-2: "Possibly Damaging"; Align-GVGD: "Class C0"). This variant has not been reported in the literature in individuals affected with COL13A1-related conditions. This variant is present in population databases (no rsID available, gnomAD 0.003%). This sequence change replaces serine, which is neutral and polar, with arginine, which is basic and polar, at codon 281 of the COL13A1 protein (p.Ser281Arg).

NM_001368882.1(COL13A1):c.813T>G (p.Ser271Arg)

Gene: COL13A1 (collagen type XIII alpha 1 chain; plus strand). Cytogenetic location: 10q22.1.
Variant type: single nucleotide variant.
Coding change: c.813T>G on transcript NM_001368882.1 (MANE Select); coding-DNA position 813, T replaced by G.
Protein change: p.Ser271Arg; replaces serine 271 with arginine.
Molecular consequence: missense variant.
Genome position (GRCh38, 1-based): chr10:69,902,810, T>G. VCF-style: chr10-69902810-T-G. GRCh37 (hg19) VCF-style: chr10-71662566-T-G.
Other names: c.843T>G, p.Ser281Arg (NM_001130103.2); c.813T>G, p.Ser271Arg (NM_001320951.2, NM_001368884.1); c.777T>G, p.Ser259Arg (NM_001368883.1, NM_001368885.1, NM_080801.4 and 1 more transcripts); c.213T>G, p.Ser71Arg (NM_001368886.1); c.723T>G, p.Ser241Arg (NM_001368895.1); c.672T>G, p.Ser224Arg (NM_001368896.1, NM_001368898.1, NM_080798.4); c.699T>G, p.Ser233Arg (NM_001368897.1); c.786T>G, p.Ser262Arg (NM_080800.4); and 1 more; short protein forms S233R, S271R, S230R, S259R, S281R, S262R, S224R, S241R.
Identifiers: ClinVar variation 1975341 (VCV001975341.3), dbSNP rs1190635158, ClinGen allele CA376934484.